The following is an entry in ClinVar:

NM_007194.4(CHEK2):c.174del (p.Thr59fs)

Gene: CHEK2 (checkpoint kinase 2; minus strand). Cytogenetic location: 22q12.1.
Variant type: Deletion.
Coding change: c.174del on transcript NM_007194.4 (MANE Select); coding-DNA position 174, one base deleted (G; older notation c.174delG).
Protein change: p.Thr59fs; shifts the reading frame from threonine 59.
Molecular consequence: frameshift variant.
Genome position (GRCh38, 1-based): chr22:28,734,548, C deleted on the plus strand (G on the coding strand, the reverse complement: CHEK2 is on the minus strand); the first of 3 consecutive C bases (chr22:28,734,548-28,734,550); deleting any one gives the same sequence. VCF-style (leftmost placement, unchanged base first): chr22-28734547-TC-T. GRCh37 (hg19) VCF-style: chr22-29130535-TC-T.
Other names: c.172delG, p.Thr59Hisfs (NM_001005735.3, NM_001349956.3, NM_145862.3); c.-606delG (NM_001257387.3); c.174delG (NM_007194.3); short protein forms T59fs.
Identifiers: ClinVar variation 2007807 (VCV002007807.7), dbSNP rs2054323152, ClinGen allele CA2400256828.

ClinVar aggregate classification (germline): Pathogenic. Review status: criteria provided, multiple submitters, no conflicts (2 of 4 stars). 3 submissions from 3 submitters: Pathogenic (3). Last evaluated 2025-07-14.

Conditions:
Hereditary cancer-predisposing syndrome. Also called: Tumor predisposition; Neoplastic Syndromes, Hereditary; Hereditary Cancer Syndrome; Hereditary neoplastic syndrome. Identifiers: Orphanet 140162, MedGen C0027672, MeSH D009386, MONDO:0015356.
Familial cancer of breast. Also called: hereditary breast carcinoma; BREAST CANCER, FAMILIAL; Hereditary breast cancer. Identifiers: Orphanet 227535, MedGen C0346153, MONDO:0016419, OMIM 114480. Disease mechanism: loss of function.

Submissions (3):

Ambry Genetics
Classification: Pathogenic for Hereditary cancer-predisposing syndrome. Last evaluated: 2025-07-14. Review status: criteria provided, single submitter. Criteria: Ambry Variant Classification Scheme 2023. Collection method: clinical testing. Allele origin: germline.
Comment: The c.174delG pathogenic mutation, located in coding exon 1 of the CHEK2 gene, results from a deletion of one nucleotide at nucleotide position 174, causing a translational frameshift with a predicted alternate stop codon (p.T59Hfs*2). This variant is considered to be rare based on population cohorts in the Genome Aggregation Database (gnomAD). This alteration is expected to result in loss of function by premature protein truncation or nonsense-mediated mRNA decay. As such, this alteration is interpreted as a disease-causing mutation.

Labcorp Genetics (formerly Invitae), Labcorp
Classification: Pathogenic for Familial cancer of breast. Last evaluated: 2024-12-12. Review status: criteria provided, single submitter. Criteria: Invitae Variant Classification Sherloc (09022015). Collection method: clinical testing. Allele origin: germline.
Comment: This sequence change creates a premature translational stop signal (p.Thr59Hisfs*2) in the CHEK2 gene. It is expected to result in an absent or disrupted protein product. Loss-of-function variants in CHEK2 are known to be pathogenic (PMID: 21876083, 24713400). This variant is not present in population databases (gnomAD no frequency). This variant has not been reported in the literature in individuals affected with CHEK2-related conditions. ClinVar contains an entry for this variant (Variation ID: 2007807). For these reasons, this variant has been classified as Pathogenic.

Myriad Genetics, Inc.
Classification: Pathogenic for Familial cancer of breast. Last evaluated: 2023-06-22. Review status: criteria provided, single submitter. Criteria: Myriad Autosomal Dominant, Autosomal Recessive and X-Linked Classification Criteria (2023). Collection method: clinical testing. Allele origin: unknown.
Comment: This variant is considered pathogenic. This variant creates a frameshift predicted to result in premature protein truncation.

Literature cited by the submitters: PubMed 21876083 (cited by Labcorp Genetics (formerly Invitae), Labcorp); PubMed 24713400 (cited by Labcorp Genetics (formerly Invitae), Labcorp).